The following is an entry in ClinVar:

ClinVar aggregate classification (germline): Likely benign. Review status: criteria provided, multiple submitters, no conflicts (2 of 4 stars). 2 submissions from 2 submitters: Likely benign (2). Last evaluated 2026-03-29.

Conditions:
Hereditary cancer-predisposing syndrome. Also called: Neoplastic Syndromes, Hereditary; Tumor predisposition; Hereditary Cancer Syndrome; Hereditary neoplastic syndrome. Identifiers: Orphanet 140162, MedGen C0027672, MeSH D009386, MONDO:0015356.

Allele frequency attached by ClinVar (database versions not stated): TOPMed 0.00002.

Submissions (2):

Ambry Genetics
Classification: Likely benign for Hereditary cancer-predisposing syndrome. Last evaluated: 2026-03-29. Review status: criteria provided, single submitter. Criteria: Ambry Variant Classification Scheme 2023. Collection method: clinical testing. Allele origin: germline.

Women's Health and Genetics/Laboratory Corporation of America, LabCorp
Classification: Likely benign. Last evaluated: 2022-11-17. Review status: criteria provided, single submitter. Criteria: LabCorp Variant Classification Summary - May 2015. Collection method: clinical testing. Allele origin: germline.
Comment: Variant summary: ATM c.3309T>C alters a non-conserved nucleotide resulting in a synonymous change. 4/4 computational tools predict no significant impact on normal splicing. However, these predictions have yet to be confirmed by functional studies. The variant was absent in 248880 control chromosomes. The available data on variant occurrences in the general population are insufficient to allow any conclusion about variant significance. To our knowledge, no occurrence of c.3309T>C in individuals affected with Ataxia-Telangiectasia and no experimental evidence demonstrating its impact on protein function have been reported. No clinical diagnostic laboratories have submitted clinical-significance assessments for this variant to ClinVar after 2014. Based on the evidence outlined above, the variant was classified as likely benign.

NM_000051.4(ATM):c.3309T>C (p.Asp1103=)

Gene: ATM (ATM serine/threonine kinase; plus strand). Cytogenetic location: 11q22.3.
Variant type: single nucleotide variant.
Coding change: c.3309T>C on transcript NM_000051.4 (MANE Select); coding-DNA position 3309, T replaced by C.
Protein change: p.Asp1103=; no amino-acid change (aspartic acid 1103 retained).
Molecular consequence: synonymous variant.
Genome position (GRCh38, 1-based): chr11:108,279,515, T>C. VCF-style: chr11-108279515-T-C. GRCh37 (hg19) VCF-style: chr11-108150242-T-C.
Other names: c.3309T>C, p.Asp1103= (NM_001351834.2).
Identifiers: ClinVar variation 1804666 (VCV001804666.2), dbSNP rs764102178, ClinGen allele CA228363381.